The following is an entry in ClinVar:

ClinVar aggregate classification (germline): Uncertain significance (1 of 4 stars; one submission).

Conditions:
Fanconi anemia (FA). Also called: Fanconi's anemia. Identifiers: Orphanet 84, MedGen C0015625, MeSH D005199, MONDO:0019391.

Submission:

Labcorp Genetics (formerly Invitae), Labcorp
Classification: Uncertain significance for Fanconi anemia. Last evaluated: 2023-04-11. Review status: criteria provided, single submitter. Criteria: Invitae Variant Classification Sherloc (09022015). Collection method: clinical testing. Allele origin: germline.
Comment: This variant is not present in population databases (gnomAD no frequency). In summary, the available evidence is currently insufficient to determine the role of this variant in disease. Therefore, it has been classified as a Variant of Uncertain Significance. Advanced modeling of protein sequence and biophysical properties (such as structural, functional, and spatial information, amino acid conservation, physicochemical variation, residue mobility, and thermodynamic stability) performed at Invitae indicates that this missense variant is not expected to disrupt FANCD2 protein function. This variant has not been reported in the literature in individuals affected with FANCD2-related conditions. This sequence change replaces serine, which is neutral and polar, with cysteine, which is neutral and slightly polar, at codon 978 of the FANCD2 protein (p.Ser978Cys).

NM_001018115.3(FANCD2):c.2932A>T (p.Ser978Cys)

Genes: FANCD2 (FA complementation group D2; plus strand), LOC107303338 (3p25 FANCD2 Alu-mediated recombination region; plus strand). Cytogenetic location: 3p25.3.
Variant type: single nucleotide variant.
Coding change: c.2932A>T on transcript NM_001018115.3 (MANE Select); coding-DNA position 2932, A replaced by T.
Protein change: p.Ser978Cys; replaces serine 978 with cysteine.
Molecular consequence: missense variant.
Genome position (GRCh38, 1-based): chr3:10,078,153, A>T. VCF-style: chr3-10078153-A-T. GRCh37 (hg19) VCF-style: chr3-10119837-A-T.
Other names: c.2932A>T, p.Ser978Cys (NM_001319984.2, NM_001374254.1, NM_033084.6); c.2821A>T, p.Ser941Cys (NM_001374253.1); short protein forms S941C, S978C.
Identifiers: ClinVar variation 2854939 (VCV002854939.3), dbSNP rs2470005401, ClinGen allele CA351746254.